The following is an entry in ClinVar:

ClinVar aggregate classification (germline): Benign/Likely benign. Review status: criteria provided, multiple submitters, no conflicts (2 of 4 stars). 2 submissions from 2 submitters: Benign (1); Likely benign (1). Last evaluated 2026-09-01.

Allele frequency attached by ClinVar (database versions not stated): TOPMed 0.00002; gnomAD 0.00015; ExAC 0.00053; 1000 Genomes Project 30x 0.00156; 1000 Genomes Project 0.00200.
gnomAD v4.1: 356 of 1,614,174 alleles (0.022%); highest among the groups gnomAD compares: South Asian, 0.37%; no homozygotes.

Submissions (2):

CeGaT Center for Human Genetics Tuebingen
Classification: Likely benign. Last evaluated: 2026-09-01. Review status: criteria provided, single submitter. Criteria: CeGaT Center For Human Genetics Tuebingen Variant Classification Criteria Version 2. Collection method: clinical testing. Allele origin: germline. Affected: yes. Observed: 1 variant allele.
Comment: FAT2: BP4, BP7

Labcorp Genetics (formerly Invitae), Labcorp
Classification: Benign. Last evaluated: 2023-08-04. Review status: criteria provided, single submitter. Criteria: Invitae Variant Classification Sherloc (09022015). Collection method: clinical testing. Allele origin: germline.

NM_001447.3(FAT2):c.1932T>C (p.Asp644=)

Gene: FAT2 (FAT atypical cadherin 2; minus strand). Cytogenetic location: 5q33.1.
Variant type: single nucleotide variant.
Coding change: c.1932T>C on transcript NM_001447.3 (MANE Select); coding-DNA position 1932, T replaced by C.
Protein change: p.Asp644=; no amino-acid change (aspartic acid 644 retained).
Molecular consequence: synonymous variant.
Genome position (GRCh38, 1-based): chr5:151,567,000, A>G on the plus strand (T>C on the coding strand, the complement: FAT2 is on the minus strand). VCF-style: chr5-151567000-A-G. GRCh37 (hg19) VCF-style: chr5-150946561-A-G.
Identifiers: ClinVar variation 2143415 (VCV002143415.5), dbSNP rs530306951, ClinGen allele CA3522165.